The following is an entry in ClinVar:

NM_001365902.3(NFIX):c.232A>T (p.Lys78Ter)

Gene: NFIX (nuclear factor I X; plus strand). Cytogenetic location: 19p13.13.
Variant type: single nucleotide variant.
Coding change: c.232A>T on transcript NM_001365902.3 (MANE Select); coding-DNA position 232, A replaced by T.
Protein change: p.Lys78Ter; replaces lysine 78 with a stop codon.
Molecular consequence: nonsense.
Genome position (GRCh38, 1-based): chr19:13,025,225, A>T. VCF-style: chr19-13025225-A-T. GRCh37 (hg19) VCF-style: chr19-13136039-A-T.
Other names: c.256A>T, p.Lys86Ter (NM_001271043.2); c.208A>T, p.Lys70Ter (NM_001271044.3, NM_001378404.1); c.232A>T, p.Lys78Ter (NM_001365982.2, NM_002501.4); c.91A>T, p.Lys31Ter (NM_001365983.2); c.229A>T, p.Lys77Ter (NM_001365984.2, NM_001365985.2); c.280A>T, p.Lys94Ter (NM_001378405.1); short protein forms K70*, K86*, K78*, K31*, K77*, K94*.
Identifiers: ClinVar variation 639180 (VCV000639180.7), dbSNP rs1599738036, ClinGen allele CA404313822.
Genomic context (GRCh38, chr19:13,025,225, plus strand): 5'-GACGAGCTGCTGGGCGAGAAGCCCGAGATCAAGCAGAAGTGGGCATCCCGGCTGCTGGCC[A>T]AGCTGCGCAAGGACATCCGGCCCGAGTTCCGCGAGGACTTCGTGCTGACCATCACGGGCA-3'

ClinVar aggregate classification (germline): Pathogenic (1 of 4 stars; one submission).

Conditions:
Malan overgrowth syndrome (MALNS). Also called: MALAN SYNDROME; NFIX-Related Malan Syndrome; Sotos syndrome 2. Identifiers: Orphanet 420179, MedGen C3553660, MONDO:0013885, OMIM 614753.
Marshall-Smith syndrome (MRSHSS). Identifiers: Orphanet 561, MedGen C0265211, MONDO:0011244, OMIM 602535.

Submission:

Labcorp Genetics (formerly Invitae), Labcorp
Classification: Pathogenic for Malan overgrowth syndrome; Marshall-Smith syndrome. Last evaluated: 2018-12-04. Review status: criteria provided, single submitter. Criteria: Invitae Variant Classification Sherloc (09022015). Collection method: clinical testing. Allele origin: germline.
Comment: This sequence change creates a premature translational stop signal (p.Lys86*) in the NFIX gene. It is expected to result in an absent or disrupted protein product. This variant is not present in population databases (ExAC no frequency). This variant has not been reported in the literature in individuals with NFIX-related conditions. Loss-of-function variants in NFIX are known to be pathogenic (PMID: 24924640, 20673863, 20949508, 25118028). For these reasons, this variant has been classified as Pathogenic.

Literature cited by the submitters: PubMed 24924640; PubMed 20673863; PubMed 20949508; PubMed 25118028.